The following is an entry in ClinVar:

NM_002485.5(NBN):c.419T>C (p.Val140Ala)

Gene: NBN (nibrin; minus strand). Cytogenetic location: 8q21.3.
Variant type: single nucleotide variant.
Coding change: c.419T>C on transcript NM_002485.5 (MANE Select); coding-DNA position 419, T replaced by C.
Protein change: p.Val140Ala; replaces valine 140 with alanine.
Molecular consequence: missense variant.
Genome position (GRCh38, 1-based): chr8:89,980,795, A>G on the plus strand (T>C on the coding strand, the complement: NBN is on the minus strand). VCF-style: chr8-89980795-A-G. GRCh37 (hg19) VCF-style: chr8-90993023-A-G.
Other names: c.173T>C, p.Val58Ala (NM_001024688.3); short protein forms V140A, V58A.
Identifiers: ClinVar variation 1489744 (VCV001489744.6), dbSNP rs752672571, ClinGen allele CA4802983.

ClinVar aggregate classification (germline): Uncertain significance (1 of 4 stars; one submission).

Conditions:
Microcephaly, normal intelligence and immunodeficiency (NBS). Also called: BERLIN BREAKAGE SYNDROME; Nijmegen breakage syndrome; Microcephaly with normal intelligence immunodeficiency and lymphoreticular malignancies; Nonsyndromal microcephaly autosomal recessive with normal intelligence; Seemanova syndrome 2; IMMUNODEFICIENCY, MICROCEPHALY, AND CHROMOSOMAL INSTABILITY. Identifiers: Orphanet 647, MedGen C0398791, MONDO:0009623, OMIM 251260.

Allele frequency attached by ClinVar (database versions not stated): gnomAD exomes below 0.00001; TOPMed below 0.00001; ExAC 0.00001.
gnomAD v4.1: 2 of 1,613,614 alleles (0.00012%); highest among the groups gnomAD compares: Admixed American, 0.0017%; no homozygotes.

Submission:

Labcorp Genetics (formerly Invitae), Labcorp
Classification: Uncertain significance for Microcephaly, normal intelligence and immunodeficiency. Last evaluated: 2021-11-18. Review status: criteria provided, single submitter. Criteria: Invitae Variant Classification Sherloc (09022015). Collection method: clinical testing. Allele origin: germline.
Comment: This variant is present in population databases (rs752672571, gnomAD 0.007%). In summary, the available evidence is currently insufficient to determine the role of this variant in disease. Therefore, it has been classified as a Variant of Uncertain Significance. Algorithms developed to predict the effect of missense changes on protein structure and function output the following: SIFT: "Tolerated"; PolyPhen-2: "Benign"; Align-GVGD: "Class C0". The alanine amino acid residue is found in multiple mammalian species, which suggests that this missense change does not adversely affect protein function. This variant has not been reported in the literature in individuals affected with NBN-related conditions. This sequence change replaces valine, which is neutral and non-polar, with alanine, which is neutral and non-polar, at codon 140 of the NBN protein (p.Val140Ala).